The following is an entry in ClinVar:

NM_152564.5(VPS13B):c.9184-2_9184del

Gene: VPS13B (vacuolar protein sorting 13 homolog B; plus strand). Cytogenetic location: 8q22.2.
Variant type: Deletion.
Coding change: c.9184-2_9184del on transcript NM_152564.5 (MANE Select); the canonical splice acceptor site of the intron before coding-DNA position 9184 through coding-DNA position 9184, 3 bases deleted (AGT; older notation c.9184-2_9184delAGT).
Molecular consequence: splice acceptor variant.
Genome position (GRCh38, 1-based): chr8:99,823,830-99,823,832, AGT deleted; deleting any 3 consecutive bases within chr8:99,823,828-99,823,832 gives the same sequence; the c. name uses the placement nearest the transcript's 3' end. VCF-style (leftmost placement, unchanged base first): chr8-99823827-TGTA-T. GRCh37 (hg19) VCF-style: chr8-100836055-TGTA-T.
Other names: c.9259-2_9259delAGT (NM_017890.4); c.9259-2_9259del (NM_017890.5).
Identifiers: ClinVar variation 370840 (VCV000370840.6), dbSNP rs1057516807, ClinGen allele CA16041260.

ClinVar aggregate classification (germline): Likely pathogenic. Review status: criteria provided, single submitter (1 of 4 stars). 2 submissions from 2 submitters: Likely pathogenic (1). 1 of the submissions does not count toward it. Last evaluated 2023-07-12.

Conditions:
Cohen syndrome (COH1). Also called: Cutis verticis gyrata, retinitis pigmentosa, and sensorineural deafness; PEPPER SYNDROME. Identifiers: Orphanet 193, MedGen C0265223, MONDO:0008999, OMIM 216550.

Submissions (2):

Labcorp Genetics (formerly Invitae), Labcorp
Classification: Likely pathogenic for Cohen syndrome. Last evaluated: 2023-07-12. Review status: criteria provided, single submitter. Criteria: Invitae Variant Classification Sherloc (09022015). Collection method: clinical testing. Allele origin: germline.
Comment: This variant is not present in population databases (gnomAD no frequency). This variant results in the deletion of part of exon 51 (c.9259-2_9259del) of the VPS13B gene. It is expected to disrupt RNA splicing. Variants that disrupt the donor or acceptor splice site typically lead to a loss of protein function (PMID: 16199547), and loss-of-function variants in VPS13B are known to be pathogenic (PMID: 15141358, 16648375, 20461111). This variant has not been reported in the literature in individuals affected with VPS13B-related conditions. In summary, the currently available evidence indicates that the variant is pathogenic, but additional data are needed to prove that conclusively. Therefore, this variant has been classified as Likely Pathogenic. Algorithms developed to predict the effect of sequence changes on RNA splicing suggest that this variant may disrupt the consensus splice site. ClinVar contains an entry for this variant (Variation ID: 370840).

Counsyl
Classification: Likely pathogenic for Cohen syndrome. Last evaluated: 2016-04-22. Review status: no assertion criteria provided. Collection method: clinical testing. Allele origin: unknown. Not counted in ClinVar's aggregate classification.

Literature cited by the submitters: PubMed 16199547 (cited by Labcorp Genetics (formerly Invitae), Labcorp); PubMed 15141358 (cited by Labcorp Genetics (formerly Invitae), Labcorp); PubMed 16648375 (cited by Labcorp Genetics (formerly Invitae), Labcorp); PubMed 20461111 (cited by Labcorp Genetics (formerly Invitae), Labcorp).